The following is an entry in ClinVar:

ClinVar aggregate classification (germline): Conflicting classifications of pathogenicity. Review status: criteria provided, conflicting classifications (1 of 4 stars). 13 submissions from 9 submitters: Uncertain significance (4); Benign (2); Likely benign (7). Last evaluated 2026-03-27.

Conditions:
Cardiovascular phenotype. Identifiers: MedGen CN230736.
Dilated cardiomyopathy 1G (CMD1G). Identifiers: Orphanet 154, MedGen C1858763, MONDO:0011400, OMIM 604145.
Autosomal recessive limb-girdle muscular dystrophy type 2J (LGMDR10). Also called: MUSCULAR DYSTROPHY, LIMB-GIRDLE, AUTOSOMAL RECESSIVE 10; Limb-girdle muscular dystrophy, type 2J. Identifiers: Orphanet 140922, MedGen C1837342, MONDO:0012127, OMIM 608807.
Tibial muscular dystrophy (TMD). Also called: UDD MYOPATHY; Tibial muscular dystrophy, tardive; Udd Distal Myopathy – Tibial Muscular Dystrophy. Identifiers: Orphanet 609, MedGen C1838244, MONDO:0010870, OMIM 600334.
TTN-related disorder. Also called: TTN-related condition; TTN-related disease; TTN-related disorders.
Myopathy, myofibrillar, 9, with early respiratory failure (MFM9). Also called: Myopathy, distal, with early respiratory failure, autosomal dominant; Hereditary myopathy with early respiratory failure; EDSTROM MYOPATHY; MYOPATHY, PROXIMAL, WITH EARLY RESPIRATORY MUSCLE INVOLVEMENT. Identifiers: Orphanet 178464, Orphanet 34521, MedGen C1863599, MONDO:0011362, OMIM 603689.
Early-onset myopathy with fatal cardiomyopathy (CMYO5). Also called: CONGENITAL MYOPATHY 5 WITH CARDIOMYOPATHY; Salih Myopathy. Identifiers: Orphanet 289377, MedGen C2673677, MONDO:0012714, OMIM 611705. Disease mechanism: loss of function.

Allele frequency attached by ClinVar (database versions not stated): TOPMed 0.00004; gnomAD 0.00007 and 0.00008; gnomAD exomes 0.00007 and 0.00010; ExAC 0.00013.
gnomAD v4.1: 111 of 1,613,416 alleles (0.0069%); highest among the groups gnomAD compares: Non-Finnish European, 0.0083%; no homozygotes.

Submissions (13):

Molecular Diagnostic Laboratory for Inherited Cardiovascular Disease, Montreal Heart Institute
Classification: Likely benign. Last evaluated: 2026-03-27. Review status: criteria provided, single submitter. Criteria: ACMG Guidelines, 2015. Collection method: clinical testing. Allele origin: germline. Affected: no.
Comment: BP7

Labcorp Genetics (formerly Invitae), Labcorp
Classification: Likely benign for Dilated cardiomyopathy 1G; Autosomal recessive limb-girdle muscular dystrophy type 2J. Last evaluated: 2025-12-21. Review status: criteria provided, single submitter. Criteria: Invitae Variant Classification Sherloc (09022015). Collection method: clinical testing. Allele origin: germline.

PreventionGenetics, part of Exact Sciences
Classification: Likely benign for TTN-related condition. Last evaluated: 2025-10-28. Review status: criteria provided, single submitter. Criteria: ACMG Guidelines, 2015. Collection method: clinical testing. Allele origin: germline.
Comment: This variant is classified as likely benign based on ACMG/AMP sequence variant interpretation guidelines (Richards et al. 2015 PMID: 25741868, with internal and published modifications).

Athena Diagnostics
Classification: Uncertain significance. Last evaluated: 2025-08-29. Review status: criteria provided, single submitter. Criteria: Athena Diagnostics Criteria. Collection method: clinical testing. Allele origin: unknown.
Comment: Available data are insufficient to determine the clinical significance of the variant at this time. The frequency of this variant in the general population is uninformative in assessment of its pathogenicity. Computational tools yielded predictions that this variant is unlikely to have an effect on normal RNA splicing.

Blueprint Genetics
Classification: Likely benign. Last evaluated: 2024-10-17. Review status: criteria provided, single submitter. Criteria: ACMG Guidelines, 2015. Collection method: clinical testing. Allele origin: germline.

CeGaT Center for Human Genetics Tuebingen
Classification: Likely benign. Last evaluated: 2023-10-01. Review status: criteria provided, single submitter. Criteria: CeGaT Center For Human Genetics Tuebingen Variant Classification Criteria Version 2. Collection method: clinical testing. Allele origin: germline. Affected: yes. Observed: 3 variant alleles.
Comment: TTN: BP4, BP7

Ambry Genetics
Classification: Likely benign for Cardiovascular phenotype. Last evaluated: 2022-07-10. Review status: criteria provided, single submitter. Criteria: Ambry Variant Classification Scheme 2023. Collection method: clinical testing. Allele origin: germline.

GeneDx
Classification: Likely benign. Last evaluated: 2021-03-31. Review status: criteria provided, single submitter. Criteria: GeneDx Variant Classification Process June 2021. Collection method: clinical testing. Allele origin: germline. Affected: yes.

Illumina Laboratory Services, Illumina
Classification: Benign for Tibial muscular dystrophy. Last evaluated: 2018-01-13. Review status: criteria provided, single submitter. Criteria: ICSL Variant Classification Criteria 13 December 2019. Collection method: clinical testing. Allele origin: germline.
Comment: This variant was observed in the ICSL laboratory as part of a predisposition screen in an ostensibly healthy population. It had not been previously curated by ICSL or reported in the Human Gene Mutation Database (HGMD: prior to June 1st, 2018), and was therefore a candidate for classification through an automated scoring system. Utilizing variant allele frequency, disease prevalence and penetrance estimates, and inheritance mode, an automated score was calculated to assess if this variant is too frequent to cause the disease. Based on the score and internal cut-off values, a variant classified as benign is not then subjected to further curation. The score for this variant resulted in a classification of benign for this disease.

Illumina Laboratory Services, Illumina
Classification: Uncertain significance for Dilated cardiomyopathy 1G. Last evaluated: 2018-01-13. Review status: criteria provided, single submitter. Criteria: ICSL Variant Classification Criteria 13 December 2019. Collection method: clinical testing. Allele origin: germline.

Illumina Laboratory Services, Illumina
Classification: Uncertain significance for Early-onset myopathy with fatal cardiomyopathy. Last evaluated: 2018-01-13. Review status: criteria provided, single submitter. Criteria: ICSL Variant Classification Criteria 13 December 2019. Collection method: clinical testing. Allele origin: germline.

Illumina Laboratory Services, Illumina
Classification: Uncertain significance for Autosomal recessive limb-girdle muscular dystrophy type 2J. Last evaluated: 2018-01-13. Review status: criteria provided, single submitter. Criteria: ICSL Variant Classification Criteria 13 December 2019. Collection method: clinical testing. Allele origin: germline.

Illumina Laboratory Services, Illumina
Classification: Benign for Myopathy, myofibrillar, 9, with early respiratory failure. Last evaluated: 2018-01-13. Review status: criteria provided, single submitter. Criteria: ICSL Variant Classification Criteria 13 December 2019. Collection method: clinical testing. Allele origin: germline.
Comment: the same text as in the submission from Illumina Laboratory Services, Illumina above.

NM_001267550.2(TTN):c.77913T>C (p.Tyr25971=)

Genes: TTN (titin; minus strand), TTN-AS1 (TTN antisense RNA 1; plus strand). Cytogenetic location: 2q31.2.
Variant type: single nucleotide variant.
Coding change: c.77913T>C on transcript NM_001267550.2 (MANE Select); coding-DNA position 77913, T replaced by C.
Protein change: p.Tyr25971=; no amino-acid change (tyrosine 25971 retained).
Molecular consequence: synonymous variant.
Genome position (GRCh38, 1-based): chr2:178,568,219, A>G on the plus strand (T>C on the coding strand, the complement: TTN is on the minus strand). VCF-style: chr2-178568219-A-G. GRCh37 (hg19) VCF-style: chr2-179432946-A-G.
Other names: c.77913T>C (NM_001267550.1); c.72990T>C, p.Tyr24330= (NM_001256850.1); c.50718T>C, p.Tyr16906= (NM_003319.4); c.70209T>C, p.Tyr23403= (NM_133378.4); c.51093T>C, p.Tyr17031= (NM_133432.3); c.51294T>C, p.Tyr17098= (NM_133437.4).
Identifiers: ClinVar variation 516834 (VCV000516834.45), dbSNP rs72648203, ClinGen allele CA1989691.